The following is an entry in ClinVar:

NM_001754.5(RUNX1):c.58+5G>A

Gene: RUNX1 (RUNX family transcription factor 1; minus strand). Cytogenetic location: 21q22.12.
Variant type: single nucleotide variant.
Coding change: c.58+5G>A on transcript NM_001754.5 (MANE Select); 5 bases into the intron after coding-DNA position 58, G replaced by A.
Molecular consequence: intron variant.
Genome position (GRCh38, 1-based): chr21:35,048,837, C>T on the plus strand (G>A on the coding strand, the complement: RUNX1 is on the minus strand). VCF-style: chr21-35048837-C-T. GRCh37 (hg19) VCF-style: chr21-36421134-C-T.
Identifiers: ClinVar variation 1361711 (VCV001361711.7), dbSNP rs2147041647, ClinGen allele CA2573157357.

ClinVar aggregate classification (germline): Uncertain significance. Review status: reviewed by expert panel (3 of 4 stars). 2 submissions from 2 submitters: Uncertain significance (1). 1 of the submissions does not count toward it. Last evaluated 2024-09-30.

Conditions:
Hereditary thrombocytopenia and hematologic cancer predisposition syndrome. Identifiers: Orphanet 71290, MedGen CN281654, MONDO:0011071.
Hereditary thrombocytopenia and hematological cancer predisposition syndrome associated with RUNX1. Also called: PLATELET DISORDER, ASPIRIN-LIKE; RUNX1 Familial Platelet Disorder with Associated Myeloid Malignancies; Familial Platelet Disorder with Propensity to Acute Myelogenous Leukemia; Familial thrombocytopenia with propensity to acute myelogenous leukemia. Identifiers: Orphanet 71290, MedGen C1832388, MeSH C563324, MONDO:0100083, OMIM 601399.

Submissions (2):

ClinGen Myeloid Malignancy Variant Curation Expert Panel
Classification: Uncertain significance for Hereditary thrombocytopenia and hematologic cancer predisposition syndrome. Last evaluated: 2024-09-30. Review status: reviewed by expert panel. Criteria: ClinGen MyeloMalig ACMG Specifications v2. Collection method: curation. Allele origin: germline. Inheritance: Autosomal dominant inheritance.
Comment: NM_001754.5(RUNX1):c.58+5G>A is an intronic variant which is completely absent from all population databases with at least 20x coverage for RUNX1 (PM2_supporting). In summary, the clinical significance of this variant is uncertain. ACMG/AMP criteria applied, as specified by the Myeloid Malignancy Variant Curation Expert Panel for RUNX1: PM2_supporting.

Labcorp Genetics (formerly Invitae), Labcorp
Classification: Uncertain significance for Hereditary thrombocytopenia and hematological cancer predisposition syndrome associated with RUNX1. Last evaluated: 2024-02-19. Review status: criteria provided, single submitter. Criteria: Invitae Variant Classification Sherloc (09022015). Collection method: clinical testing. Allele origin: germline. Not counted in ClinVar's aggregate classification.
Comment: This sequence change falls in intron 2 of the RUNX1 gene. It does not directly change the encoded amino acid sequence of the RUNX1 protein. It affects a nucleotide within the consensus splice site. This variant is not present in population databases (gnomAD no frequency). This variant has not been reported in the literature in individuals affected with RUNX1-related conditions. ClinVar contains an entry for this variant (Variation ID: 1361711). Variants that disrupt the consensus splice site are a relatively common cause of aberrant splicing (PMID: 17576681, 9536098). Algorithms developed to predict the effect of sequence changes on RNA splicing suggest that this variant may disrupt the consensus splice site. In summary, the available evidence is currently insufficient to determine the role of this variant in disease. Therefore, it has been classified as a Variant of Uncertain Significance.

Literature cited by the submitters: PubMed 17576681 (cited by Labcorp Genetics (formerly Invitae), Labcorp); PubMed 9536098 (cited by Labcorp Genetics (formerly Invitae), Labcorp).